The following is an entry in ClinVar:

ClinVar aggregate classification (germline): Uncertain significance (1 of 4 stars; one submission).

Conditions:
Developmental and epileptic encephalopathy, 53. Also called: Epileptic encephalopathy, early infantile, 53. Identifiers: MedGen C4479313, MONDO:0033362, OMIM 617389.
Early-onset Parkinson disease 20. Also called: PARKINSON DISEASE 20, AUTOSOMAL RECESSIVE EARLY-ONSET. Identifiers: Orphanet 391411, MedGen C3809824, MONDO:0014233, OMIM 615530.

Submission:

Labcorp Genetics (formerly Invitae), Labcorp
Classification: Uncertain significance for Developmental and epileptic encephalopathy, 53; Early-onset Parkinson disease 20. Last evaluated: 2022-06-27. Review status: criteria provided, single submitter. Criteria: Invitae Variant Classification Sherloc (09022015). Collection method: clinical testing. Allele origin: germline.
Comment: In summary, the available evidence is currently insufficient to determine the role of this variant in disease. Therefore, it has been classified as a Variant of Uncertain Significance. Algorithms developed to predict the effect of missense changes on protein structure and function (SIFT, PolyPhen-2, Align-GVGD) all suggest that this variant is likely to be tolerated. ClinVar contains an entry for this variant (Variation ID: 1044285). This variant has not been reported in the literature in individuals affected with SYNJ1-related conditions. This variant is not present in population databases (gnomAD no frequency). This sequence change replaces alanine, which is neutral and non-polar, with glycine, which is neutral and non-polar, at codon 1308 of the SYNJ1 protein (p.Ala1308Gly).

NM_203446.3(SYNJ1):c.3806C>G (p.Ala1269Gly)

Gene: SYNJ1 (synaptojanin 1; minus strand). Cytogenetic location: 21q22.11.
Variant type: single nucleotide variant.
Coding change: c.3806C>G on transcript NM_203446.3 (MANE Select); coding-DNA position 3806, C replaced by G.
Protein change: p.Ala1269Gly; replaces alanine 1269 with glycine.
Molecular consequence: missense variant.
Genome position (GRCh38, 1-based): chr21:32,639,017, G>C on the plus strand (C>G on the coding strand, the complement: SYNJ1 is on the minus strand). VCF-style: chr21-32639017-G-C. GRCh37 (hg19) VCF-style: chr21-34011327-G-C.
Other names: c.3758C>G, p.Ala1253Gly (NM_001160302.2); c.3665C>G, p.Ala1222Gly (NM_001160306.2); c.3923C>G, p.Ala1308Gly (NM_003895.4); short protein forms A1222G, A1253G, A1269G, A1308G.
Identifiers: ClinVar variation 1044285 (VCV001044285.9), dbSNP rs2039705571, ClinGen allele CA410086893.